The following is an entry in ClinVar:

NM_014208.3(DSPP):c.950T>C (p.Val317Ala)

Genes: DMP1-AS1 (DMP1 and DSPP antisense RNA 1; minus strand), DSPP (dentin sialophosphoprotein; plus strand). Cytogenetic location: 4q22.1.
Variant type: single nucleotide variant.
Coding change: c.950T>C on transcript NM_014208.3 (MANE Select); coding-DNA position 950, T replaced by C.
Protein change: p.Val317Ala; replaces valine 317 with alanine.
Molecular consequence: missense variant.
Genome position (GRCh38, 1-based): chr4:87,613,136, T>C. VCF-style: chr4-87613136-T-C. GRCh37 (hg19) VCF-style: chr4-88534288-T-C.
Other names: short protein forms V317A.
Identifiers: ClinVar variation 2195407 (VCV002195407.6), dbSNP rs770374924, ClinGen allele CA3000982.

ClinVar aggregate classification (germline): Uncertain significance. Review status: criteria provided, single submitter (1 of 4 stars). 2 submissions from 2 submitters: Uncertain significance (1). 1 of the submissions does not count toward it. Last evaluated 2024-03-23.

Conditions:
DSPP-related disorder. Also called: DSPP-related condition.

Submissions (2):

Labcorp Genetics (formerly Invitae), Labcorp
Classification: Uncertain significance. Last evaluated: 2024-03-23. Review status: criteria provided, single submitter. Criteria: Invitae Variant Classification Sherloc (09022015). Collection method: clinical testing. Allele origin: germline.
Comment: This sequence change replaces valine, which is neutral and non-polar, with alanine, which is neutral and non-polar, at codon 317 of the DSPP protein (p.Val317Ala). This variant is present in population databases (rs770374924, gnomAD 0.006%). This variant has not been reported in the literature in individuals affected with DSPP-related conditions. ClinVar contains an entry for this variant (Variation ID: 2195407). Algorithms developed to predict the effect of missense changes on protein structure and function output the following: SIFT: "Not Available"; PolyPhen-2: "Benign"; Align-GVGD: "Not Available". The alanine amino acid residue is found in multiple mammalian species, which suggests that this missense change does not adversely affect protein function. In summary, the available evidence is currently insufficient to determine the role of this variant in disease. Therefore, it has been classified as a Variant of Uncertain Significance.

PreventionGenetics, part of Exact Sciences
Classification: Uncertain significance for DSPP-related condition. Last evaluated: 2024-05-15. Review status: no assertion criteria provided. Collection method: clinical testing. Allele origin: germline. Not counted in ClinVar's aggregate classification.
Comment: The DSPP c.950T>C variant is predicted to result in the amino acid substitution p.Val317Ala. To our knowledge, this variant has not been reported in the literature. This variant is reported in 0.0056% of alleles in individuals of East Asian descent in gnomAD. At this time, the clinical significance of this variant is uncertain due to the absence of conclusive functional and genetic evidence.